The following is an entry in ClinVar:

NM_006506.5(RASA2):c.451-4A>G

Gene: RASA2 (RAS p21 protein activator 2; plus strand). Cytogenetic location: 3q23.
Variant type: single nucleotide variant.
Coding change: c.451-4A>G on transcript NM_006506.5 (MANE Select); 4 bases into the intron before coding-DNA position 451, A replaced by G.
Molecular consequence: intron variant.
Genome position (GRCh38, 1-based): chr3:141,540,529, A>G. VCF-style: chr3-141540529-A-G. GRCh37 (hg19) VCF-style: chr3-141259371-A-G.
Other names: c.451-4A>G (NM_001303245.3, NM_001303246.3, NM_001303246.1).
Identifiers: ClinVar variation 704449 (VCV000704449.13), dbSNP rs368944007, ClinGen allele CA2645205.

ClinVar aggregate classification (germline): Likely benign. Review status: criteria provided, multiple submitters, no conflicts (2 of 4 stars). 3 submissions from 3 submitters: Likely benign (2). 1 of the submissions does not count toward it. Last evaluated 2025-12-20.

Conditions:
RASA2-related disorder. Also called: RASA2-related condition.

Allele frequency attached by ClinVar (database versions not stated): gnomAD 0.00040 and 0.00041; TOPMed 0.00042; ExAC 0.00010; gnomAD exomes 0.00012; ESP Exome Variant Server 0.00031; 1000 Genomes Project 30x 0.00047; 1000 Genomes Project 0.00060.
gnomAD v4.1: 108 of 1,604,568 alleles (0.0067%); highest among the groups gnomAD compares: African/African-American, 0.13%; no homozygotes.

Submissions (3):

Labcorp Genetics (formerly Invitae), Labcorp
Classification: Likely benign. Last evaluated: 2025-12-20. Review status: criteria provided, single submitter. Criteria: Invitae Variant Classification Sherloc (09022015). Collection method: clinical testing. Allele origin: germline.

Blueprint Genetics
Classification: Likely benign. Last evaluated: 2023-02-20. Review status: criteria provided, single submitter. Criteria: ACMG Guidelines, 2015. Collection method: clinical testing. Allele origin: germline.

PreventionGenetics, part of Exact Sciences
Classification: Likely benign for RASA2-related condition. Last evaluated: 2019-04-12. Review status: no assertion criteria provided. Collection method: clinical testing. Allele origin: germline. Not counted in ClinVar's aggregate classification.
Comment: This variant is classified as likely benign based on ACMG/AMP sequence variant interpretation guidelines (Richards et al. 2015 PMID: 25741868, with internal and published modifications).